The following is an entry in ClinVar:

NM_001005373.4(LRSAM1):c.694C>T (p.Arg232Trp)

Gene: LRSAM1 (leucine rich repeat and sterile alpha motif containing 1; plus strand). Cytogenetic location: 9q33.3.
Variant type: single nucleotide variant.
Coding change: c.694C>T on transcript NM_001005373.4 (MANE Select); coding-DNA position 694, C replaced by T.
Protein change: p.Arg232Trp; replaces arginine 232 with tryptophan.
Molecular consequence: missense variant. On other transcripts: 5 prime UTR variant (1), non-coding transcript variant (2).
Genome position (GRCh38, 1-based): chr9:127,473,875, C>T. VCF-style: chr9-127473875-C-T. GRCh37 (hg19) VCF-style: chr9-130236154-C-T.
Other names: c.694C>T, p.Arg232Trp (NM_001005374.4, NM_001190723.3, NM_001384142.1 and 2 more transcripts); c.-91C>T (NM_001384144.1); c.694C>T (NM_138361.4); short protein forms R232W.
Identifiers: ClinVar variation 639407 (VCV000639407.11), dbSNP rs754527468, ClinGen allele CA5246650.
Genomic context (GRCh38, chr9:127,473,875, plus strand): 5'-TACTACCCCCCTTCTCAGTACTTGCTGCCAATTCTGGAGCAAGATGGAATCGAGAACTCT[C>T]GGGACAGCCCTGATGGGCCCACGGACAGATTCTCAAGGGAGGAGTTAGAGTGGCAGGTAA-3'
Protein context (NP_001005373.1, residues 222-242): ILEQDGIENS[Arg232Trp]DSPDGPTDRF

ClinVar aggregate classification (germline): Uncertain significance. Review status: criteria provided, multiple submitters, no conflicts (2 of 4 stars). 2 submissions from 2 submitters: Uncertain significance (2). Last evaluated 2025-11-13.

Conditions:
Charcot-Marie-Tooth disease axonal type 2P. Also called: CHARCOT-MARIE-TOOTH NEUROPATHY, TYPE 2P; Charcot-Marie-Tooth Neuropathy Type 2G; CHARCOT-MARIE-TOOTH DISEASE, AXONAL, TYPE 2G; CMT 2G. Identifiers: Orphanet 300319, Orphanet 99941, MedGen C3280797, MONDO:0013753, OMIM 614436.
Inborn genetic diseases. Identifiers: MedGen C0950123, MeSH D030342.

Allele frequency attached by ClinVar (database versions not stated): gnomAD exomes below 0.00001 and 0.00001; gnomAD 0.00001; ExAC 0.00002; TOPMed 0.00005.

Submissions (2):

Ambry Genetics
Classification: Uncertain significance for Inborn genetic diseases. Last evaluated: 2025-11-13. Review status: criteria provided, single submitter. Criteria: Ambry Variant Classification Scheme 2023. Collection method: clinical testing. Allele origin: germline.

Labcorp Genetics (formerly Invitae), Labcorp
Classification: Uncertain significance for Charcot-Marie-Tooth disease axonal type 2P. Last evaluated: 2025-01-06. Review status: criteria provided, single submitter. Criteria: Invitae Variant Classification Sherloc (09022015). Collection method: clinical testing. Allele origin: germline.
Comment: This sequence change replaces arginine, which is basic and polar, with tryptophan, which is neutral and slightly polar, at codon 232 of the LRSAM1 protein (p.Arg232Trp). The frequency data for this variant in the population databases is considered unreliable, as metrics indicate poor data quality at this position in the gnomAD database. This variant has not been reported in the literature in individuals affected with LRSAM1-related conditions. ClinVar contains an entry for this variant (Variation ID: 639407). Invitae Evidence Modeling of protein sequence and biophysical properties (such as structural, functional, and spatial information, amino acid conservation, physicochemical variation, residue mobility, and thermodynamic stability) indicates that this missense variant is not expected to disrupt LRSAM1 protein function with a negative predictive value of 80%. In summary, the available evidence is currently insufficient to determine the role of this variant in disease. Therefore, it has been classified as a Variant of Uncertain Significance.